The following is an entry in ClinVar:

NM_001005361.3(DNM2):c.2286C>A (p.Ser762Arg)

Gene: DNM2 (dynamin 2; plus strand). Cytogenetic location: 19p13.2.
Variant type: single nucleotide variant.
Coding change: c.2286C>A on transcript NM_001005361.3 (MANE Select); coding-DNA position 2286, C replaced by A.
Protein change: p.Ser762Arg; replaces serine 762 with arginine.
Molecular consequence: missense variant.
Genome position (GRCh38, 1-based): chr19:10,829,263, C>A. VCF-style: chr19-10829263-C-A. GRCh37 (hg19) VCF-style: chr19-10939939-C-A.
Other names: c.2286C>A, p.Ser762Arg (NM_001005360.3, NM_001190716.2); c.2274C>A, p.Ser758Arg (NM_001005362.3, NM_004945.4); short protein forms S762R, S758R.
Identifiers: ClinVar variation 583006 (VCV000583006.8), dbSNP rs1568324385, ClinGen allele CA404043307.

ClinVar aggregate classification (germline): Uncertain significance (1 of 4 stars; one submission).

Conditions:
Charcot-Marie-Tooth disease dominant intermediate B (CMTDIB). Also called: Charcot-Marie-Tooth disease dominant intermediate 1; CMT DI1; Charcot-Marie-Tooth disease dominant intermediate I; CHARCOT-MARIE-TOOTH NEUROPATHY, DOMINANT INTERMEDIATE B. Identifiers: Orphanet 100044, Orphanet 228179, MedGen C1847902, MONDO:0011674, OMIM 606482.

Submission:

Labcorp Genetics (formerly Invitae), Labcorp
Classification: Uncertain significance for Charcot-Marie-Tooth disease dominant intermediate B. Last evaluated: 2018-06-21. Review status: criteria provided, single submitter. Criteria: Invitae Variant Classification Sherloc (09022015). Collection method: clinical testing. Allele origin: germline.
Comment: In summary, the available evidence is currently insufficient to determine the role of this variant in disease. Therefore, it has been classified as a Variant of Uncertain Significance. Algorithms developed to predict the effect of missense changes on protein structure and function are either unavailable or do not agree on the potential impact of this missense change (SIFT: "Deleterious"; PolyPhen-2: "Benign"; Align-GVGD: "Class C0"). This variant has not been reported in the literature in individuals with DNM2-related disease. This variant is not present in population databases (ExAC no frequency). This sequence change replaces serine with arginine at codon 762 of the DNM2 protein (p.Ser762Arg). The serine residue is moderately conserved and there is a moderate physicochemical difference between serine and arginine.